The following is an entry in ClinVar:

NM_001242896.3(DEPDC5):c.1594A>G (p.Ile532Val)

Gene: DEPDC5 (DEP domain containing 5, GATOR1 subcomplex subunit; plus strand). Cytogenetic location: 22q12.3.
Variant type: single nucleotide variant.
Coding change: c.1594A>G on transcript NM_001242896.3 (MANE Select); coding-DNA position 1594, A replaced by G.
Protein change: p.Ile532Val; replaces isoleucine 532 with valine.
Molecular consequence: missense variant. On other transcripts: non-coding transcript variant (5).
Genome position (GRCh38, 1-based): chr22:31,815,140, A>G. VCF-style: chr22-31815140-A-G. GRCh37 (hg19) VCF-style: chr22-32211126-A-G.
Other names: c.1594A>G, p.Ile532Val (NM_001007188.4, NM_001136029.4, NM_001242897.2 and 7 more transcripts); c.1510A>G, p.Ile504Val (NM_001369901.1, NM_001369902.1); short protein forms I532V, I504V.
Identifiers: ClinVar variation 534784 (VCV000534784.2), dbSNP rs764496748, ClinGen allele CA10196406.
Genomic context (GRCh38, chr22:31,815,140, plus strand): 5'-CCCACTGAGGAAGTGAGGAGCCAGGCTTCTGACGACAGCTCCCTAGGCAAGAGTGCCAAC[A>G]TCCTGATGATCCCACACCCCCACCTGCACCAGTATGAAGTCAGCAGCTCCTTGGGATACA-3'
Protein context (NP_001229825.1, residues 522-542): DDSSLGKSAN[Ile532Val]LMIPHPHLHQ

ClinVar aggregate classification (germline): Uncertain significance (1 of 4 stars; one submission).

Conditions:
Familial focal epilepsy with variable foci (FPEVF). Identifiers: Orphanet 98820, MedGen C1858477, MONDO:0020310.

Allele frequency attached by ClinVar (database versions not stated): gnomAD 0.00001; gnomAD exomes 0.00001 and 0.00004; TOPMed 0.00001; ExAC 0.00003.
gnomAD v4.1: 61 of 1,614,052 alleles (0.0038%); highest among the groups gnomAD compares: East Asian, 0.0067%; no homozygotes.

Submission:

Labcorp Genetics (formerly Invitae), Labcorp
Classification: Uncertain significance for Familial focal epilepsy with variable foci. Last evaluated: 2019-07-03. Review status: criteria provided, single submitter. Criteria: Invitae Variant Classification Sherloc (09022015). Collection method: clinical testing. Allele origin: germline.
Comment: This sequence change replaces isoleucine with valine at codon 532 of the DEPDC5 protein (p.Ile532Val). The isoleucine residue is highly conserved and there is a small physicochemical difference between isoleucine and valine. This variant is present in population databases (rs764496748, ExAC 0.006%). This variant has not been reported in the literature in individuals with DEPDC5-related disease. Algorithms developed to predict the effect of missense changes on protein structure and function (SIFT, PolyPhen-2, Align-GVGD) all suggest that this variant is likely to be tolerated, but these predictions have not been confirmed by published functional studies and their clinical significance is uncertain. In summary, the available evidence is currently insufficient to determine the role of this variant in disease. Therefore, it has been classified as a Variant of Uncertain Significance.